The following is an entry in ClinVar:

ClinVar aggregate classification (germline): Likely benign (1 of 4 stars; one submission).

Conditions:
Joubert syndrome 14 (JBTS14). Identifiers: MedGen C3280766, MONDO:0013745, OMIM 614424.

Allele frequency attached by ClinVar (database versions not stated): gnomAD 0.00399 and 0.00418; TOPMed 0.00445; 1000 Genomes Project 0.00499; 1000 Genomes Project 30x 0.00562.

Submission:

Illumina Laboratory Services, Illumina
Classification: Likely benign for Joubert syndrome 14. Last evaluated: 2018-01-12. Review status: criteria provided, single submitter. Criteria: ICSL Variant Classification Criteria 13 December 2019. Collection method: clinical testing. Allele origin: germline.
Comment: This variant was observed in the ICSL laboratory as part of a predisposition screen in an ostensibly healthy population. It had not been previously curated by ICSL or reported in the Human Gene Mutation Database (HGMD: prior to June 1st, 2018), and was therefore a candidate for classification through an automated scoring system. Utilizing variant allele frequency, disease prevalence and penetrance estimates, and inheritance mode, an automated score was calculated to assess if this variant is too frequent to cause the disease. Based on the score and internal cut-off values, a variant classified as likely benign is not then subjected to further curation. The score for this variant resulted in a classification of likely benign for this disease.

NM_001044385.3(TMEM237):c.*2137A>G

Gene: TMEM237 (transmembrane protein 237; minus strand). Cytogenetic location: 2q33.1.
Variant type: single nucleotide variant.
Coding change: c.*2137A>G on transcript NM_001044385.3 (MANE Select); 2137 bases downstream of the stop codon, A replaced by G.
Molecular consequence: 3 prime UTR variant.
Genome position (GRCh38, 1-based): chr2:201,622,118, T>C on the plus strand (A>G on the coding strand, the complement: TMEM237 is on the minus strand). VCF-style: chr2-201622118-T-C. GRCh37 (hg19) VCF-style: chr2-202486841-T-C.
Other names: c.*2137A>G (NM_152388.4).
Identifiers: ClinVar variation 897711 (VCV000897711.4), dbSNP rs115353606, ClinGen allele CA63948737.